The following is an entry in ClinVar:

NM_000537.4(REN):c.979G>A (p.Glu327Lys)

Gene: REN (renin; minus strand). Cytogenetic location: 1q32.1.
Variant type: single nucleotide variant.
Coding change: c.979G>A on transcript NM_000537.4 (MANE Select); coding-DNA position 979, G replaced by A.
Protein change: p.Glu327Lys; replaces glutamic acid 327 with lysine.
Molecular consequence: missense variant.
Genome position (GRCh38, 1-based): chr1:204,155,900, C>T on the plus strand (G>A on the coding strand, the complement: REN is on the minus strand). VCF-style: chr1-204155900-C-T. GRCh37 (hg19) VCF-style: chr1-204125028-C-T.
Other names: short protein forms E327K.
Identifiers: ClinVar variation 3611653 (VCV003611653.2).

ClinVar aggregate classification (germline): Uncertain significance (1 of 4 stars; one submission).

gnomAD v4.1: 14 of 1,613,622 alleles (0.00087%); highest among the groups gnomAD compares: South Asian, 0.0066%; no homozygotes.

Submission:

Labcorp Genetics (formerly Invitae), Labcorp
Classification: Uncertain significance. Last evaluated: 2024-09-15. Review status: criteria provided, single submitter. Criteria: Invitae Variant Classification Sherloc (09022015). Collection method: clinical testing. Allele origin: germline.
Comment: This sequence change replaces glutamic acid, which is acidic and polar, with lysine, which is basic and polar, at codon 327 of the REN protein (p.Glu327Lys). This variant is present in population databases (no rsID available, gnomAD 0.007%). This variant has not been reported in the literature in individuals affected with REN-related conditions. Invitae Evidence Modeling of protein sequence and biophysical properties (such as structural, functional, and spatial information, amino acid conservation, physicochemical variation, residue mobility, and thermodynamic stability) indicates that this missense variant is not expected to disrupt REN protein function with a negative predictive value of 80%. In summary, the available evidence is currently insufficient to determine the role of this variant in disease. Therefore, it has been classified as a Variant of Uncertain Significance.